The following is an entry in ClinVar:

ClinVar aggregate classification (germline): Benign/Likely benign. Review status: criteria provided, multiple submitters, no conflicts (2 of 4 stars). 7 submissions from 6 submitters: Benign (2); Likely benign (4). 1 of the submissions does not count toward it. Last evaluated 2025-12-09.

Conditions:
Amyotrophic lateral sclerosis type 1 (ALS1). Also called: AMYOTROPHIC LATERAL SCLEROSIS 1, FAMILIAL. Identifiers: Orphanet 803, MedGen C1862939, MONDO:0007103, OMIM 105400.
Perry syndrome. Also called: PARKINSONISM WITH ALVEOLAR HYPOVENTILATION AND MENTAL DEPRESSION. Identifiers: Orphanet 178509, MedGen C1868594, MONDO:0008201, OMIM 168605.
Neuronopathy, distal hereditary motor, type 7B. Also called: NEUROPATHY, DISTAL HEREDITARY MOTOR, HARDING TYPE VIIB; NEUROPATHY, DISTAL HEREDITARY MOTOR, WITH VOCAL CORD PARALYSIS, HARDING TYPE VIIB; NEURONOPATHY, DISTAL HEREDITARY MOTOR, AUTOSOMAL DOMINANT 14; NEURONOPATHY, DISTAL HEREDITARY MOTOR, HARDING TYPE VIIB; Distal Hereditary Motor Neuronopathy Type 7B (dHMN7B); HMN VIIB. Identifiers: Orphanet 139589, MedGen C1843315, MONDO:0011879, OMIM 607641.
DCTN1-related disorder. Also called: DCTN1-related condition.

Allele frequency attached by ClinVar (database versions not stated): TOPMed 0.00006; ESP Exome Variant Server 0.00008; gnomAD exomes 0.00017 and 0.00026; ExAC 0.00025; gnomAD 0.00045 and 0.00046.
gnomAD v4.1: 317 of 1,613,940 alleles (0.02%); highest among the groups gnomAD compares: South Asian, 0.051%; no homozygotes.

Submissions (7):

Labcorp Genetics (formerly Invitae), Labcorp
Classification: Benign for Amyotrophic lateral sclerosis type 1; Neuronopathy, distal hereditary motor, type 7B; Perry syndrome. Last evaluated: 2025-12-09. Review status: criteria provided, single submitter. Criteria: Invitae Variant Classification Sherloc (09022015). Collection method: clinical testing. Allele origin: germline.

Laboratory of Genetics, Children's Clinical University Hospital Latvia
Classification: Likely benign. Last evaluated: 2025-02-16. Review status: criteria provided, single submitter. Criteria: ACMG Guidelines, 2015. Collection method: clinical testing. Allele origin: germline. Affected: yes.

Blueprint Genetics
Classification: Likely benign. Last evaluated: 2024-10-18. Review status: criteria provided, single submitter. Criteria: ACMG Guidelines, 2015. Collection method: clinical testing. Allele origin: germline.

Fulgent Genetics
Classification: Likely benign for Amyotrophic lateral sclerosis type 1; Perry syndrome; Neuronopathy, distal hereditary motor, type 7B. Last evaluated: 2021-10-06. Review status: criteria provided, single submitter. Criteria: ACMG Guidelines, 2015. Collection method: clinical testing. Allele origin: unknown.

Illumina Laboratory Services, Illumina
Classification: Benign for Perry syndrome. Last evaluated: 2018-01-12. Review status: criteria provided, single submitter. Criteria: ICSL Variant Classification Criteria 13 December 2019. Collection method: clinical testing. Allele origin: germline.
Comment: This variant was observed in the ICSL laboratory as part of a predisposition screen in an ostensibly healthy population. It had not been previously curated by ICSL or reported in the Human Gene Mutation Database (HGMD: prior to June 1st, 2018), and was therefore a candidate for classification through an automated scoring system. Utilizing variant allele frequency, disease prevalence and penetrance estimates, and inheritance mode, an automated score was calculated to assess if this variant is too frequent to cause the disease. Based on the score and internal cut-off values, a variant classified as benign is not then subjected to further curation. The score for this variant resulted in a classification of benign for this disease.

Illumina Laboratory Services, Illumina
Classification: Likely benign for Neuronopathy, distal hereditary motor, type 7B. Last evaluated: 2018-01-12. Review status: criteria provided, single submitter. Criteria: ICSL Variant Classification Criteria 13 December 2019. Collection method: clinical testing. Allele origin: germline.
Comment: This variant was observed in the ICSL laboratory as part of a predisposition screen in an ostensibly healthy population. It had not been previously curated by ICSL or reported in the Human Gene Mutation Database (HGMD: prior to June 1st, 2018), and was therefore a candidate for classification through an automated scoring system. Utilizing variant allele frequency, disease prevalence and penetrance estimates, and inheritance mode, an automated score was calculated to assess if this variant is too frequent to cause the disease. Based on the score and internal cut-off values, a variant classified as likely benign is not then subjected to further curation. The score for this variant resulted in a classification of likely benign for this disease.

PreventionGenetics, part of Exact Sciences
Classification: Likely benign for DCTN1-related condition. Last evaluated: 2023-07-18. Review status: no assertion criteria provided. Collection method: clinical testing. Allele origin: germline. Not counted in ClinVar's aggregate classification.
Comment: This variant is classified as likely benign based on ACMG/AMP sequence variant interpretation guidelines (Richards et al. 2015 PMID: 25741868, with internal and published modifications).

NM_004082.5(DCTN1):c.279+8C>T

Gene: DCTN1 (dynactin subunit 1; minus strand). Cytogenetic location: 2p13.1.
Variant type: single nucleotide variant.
Coding change: c.279+8C>T on transcript NM_004082.5 (MANE Select); 8 bases into the intron after coding-DNA position 279, C replaced by T.
Molecular consequence: intron variant.
Genome position (GRCh38, 1-based): chr2:74,377,992, G>A on the plus strand (C>T on the coding strand, the complement: DCTN1 is on the minus strand). VCF-style: chr2-74377992-G-A. GRCh37 (hg19) VCF-style: chr2-74605119-G-A.
Other names: c.228+8C>T (NM_001190836.2, NM_001378992.1, NM_001378991.1); c.279+8C>T (NM_001135040.3, NM_001190837.2).
Identifiers: ClinVar variation 536175 (VCV000536175.20), dbSNP rs376401397, ClinGen allele CA1722585.
Genomic context (GRCh38, chr2:74,377,992, plus strand): 5'-AACACATCAGCTGCACATGCGACAGACATGTGCACACATGCACAGACACAAAAGAAGGGC[G>A]TGAATACCTGGGACTGGCGCACAAAGATGCCATGCCCTTCATCACAAGTGAAGTACTTCC-3'